The following is an entry in ClinVar:

NM_002047.4(GARS1):c.1046C>T (p.Ala349Val)

Gene: GARS1 (glycyl-tRNA synthetase 1; plus strand). Cytogenetic location: 7p14.3.
Variant type: single nucleotide variant.
Coding change: c.1046C>T on transcript NM_002047.4 (MANE Select); coding-DNA position 1046, C replaced by T.
Protein change: p.Ala349Val; replaces alanine 349 with valine.
Molecular consequence: missense variant.
Genome position (GRCh38, 1-based): chr7:30,615,910, C>T. VCF-style: chr7-30615910-C-T. GRCh37 (hg19) VCF-style: chr7-30655526-C-T.
Other names: c.884C>T, p.Ala295Val (NM_001316772.1); short protein forms A349V, A295V.
Identifiers: ClinVar variation 2791243 (VCV002791243.4), dbSNP rs2534311584, ClinGen allele CA367125957.
Genomic context (GRCh38, chr7:30,615,910, plus strand): 5'-TTTGTAGTTAAATATGCAGGTTTATCGCTTACGTTTTTGCTTTCAGAGAATTCACAATGG[C>T]AGAAATTGAGCACTTTGTAGATCCCAGTGAGAAAGACCACCCCAAGTTCCAGAATGTGGC-3'
Protein context (NP_002038.2, residues 339-359): GLIRVREFTM[Ala349Val]EIEHFVDPSE

ClinVar aggregate classification (germline): Uncertain significance. Review status: criteria provided, multiple submitters, no conflicts (2 of 4 stars). 2 submissions from 2 submitters: Uncertain significance (2). Last evaluated 2025-10-22.

Conditions:
Charcot-Marie-Tooth disease type 2. Also called: Charcot-Marie-Tooth type 2. Identifiers: Orphanet 64746, MedGen C0270914, MONDO:0018993.

gnomAD v4.1: 3 of 1,614,164 alleles (0.00019%); highest among the groups gnomAD compares: Non-Finnish European, 0.00025%; no homozygotes.

Submissions (2):

Ambry Genetics
Classification: Uncertain significance. Last evaluated: 2025-10-22. Review status: criteria provided, single submitter. Criteria: Ambry Variant Classification Scheme 2023. Collection method: clinical testing. Allele origin: germline.

Labcorp Genetics (formerly Invitae), Labcorp
Classification: Uncertain significance for Charcot-Marie-Tooth disease type 2. Last evaluated: 2025-07-23. Review status: criteria provided, single submitter. Criteria: Invitae Variant Classification Sherloc (09022015). Collection method: clinical testing. Allele origin: germline.
Comment: This sequence change replaces alanine, which is neutral and non-polar, with valine, which is neutral and non-polar, at codon 349 of the GARS protein (p.Ala349Val). This variant is not present in population databases (gnomAD no frequency). This variant has not been reported in the literature in individuals affected with GARS-related conditions. ClinVar contains an entry for this variant (Variation ID: 2791243). Invitae Evidence Modeling of protein sequence and biophysical properties (such as structural, functional, and spatial information, amino acid conservation, physicochemical variation, residue mobility, and thermodynamic stability) indicates that this missense variant is not expected to disrupt GARS protein function with a negative predictive value of 80%. In summary, the available evidence is currently insufficient to determine the role of this variant in disease. Therefore, it has been classified as a Variant of Uncertain Significance.